The following is an entry in ClinVar:

ClinVar aggregate classification (germline): Uncertain significance (1 of 4 stars; one submission).

Conditions:
Cardiovascular phenotype. Identifiers: MedGen CN230736.

Submission:

Ambry Genetics
Classification: Uncertain significance for Cardiovascular phenotype. Last evaluated: 2025-12-18. Review status: criteria provided, single submitter. Criteria: Ambry Variant Classification Scheme 2023. Collection method: clinical testing. Allele origin: germline.
Comment: The p.D296G variant (also known as c.887A>G), located in coding exon 8 of the PTPN11 gene, results from an A to G substitution at nucleotide position 887. The aspartic acid at codon 296 is replaced by glycine, an amino acid with similar properties. This amino acid position is conserved. In addition, the in silico prediction for this alteration is inconclusive. Based on the available evidence, the clinical significance of this variant remains unclear.

NM_002834.5(PTPN11):c.887A>G (p.Asp296Gly)

Gene: PTPN11 (protein tyrosine phosphatase non-receptor type 11; plus strand). Cytogenetic location: 12q24.13.
Variant type: single nucleotide variant.
Coding change: c.887A>G on transcript NM_002834.5 (MANE Select); coding-DNA position 887, A replaced by G.
Protein change: p.Asp296Gly; replaces aspartic acid 296 with glycine.
Molecular consequence: missense variant.
Genome position (GRCh38, 1-based): chr12:112,477,684, A>G. VCF-style: chr12-112477684-A-G. GRCh37 (hg19) VCF-style: chr12-112915488-A-G.
Other names: c.887A>G, p.Asp296Gly (NM_001330437.2, NM_080601.3); c.884A>G, p.Asp295Gly (NM_001374625.1); short protein forms D295G, D296G.
Identifiers: ClinVar variation 4843867 (VCV004843867.1).